The following is an entry in ClinVar:

NM_006648.4(WNK2):c.5260C>G (p.Gln1754Glu)

Gene: WNK2 (WNK lysine deficient protein kinase 2; plus strand). Cytogenetic location: 9q22.31.
Variant type: single nucleotide variant.
Coding change: c.5260C>G on transcript NM_006648.4 (MANE Select); coding-DNA position 5260, C replaced by G.
Protein change: p.Gln1754Glu; replaces glutamine 1754 with glutamic acid.
Molecular consequence: missense variant.
Genome position (GRCh38, 1-based): chr9:93,292,725, C>G. VCF-style: chr9-93292725-C-G. GRCh37 (hg19) VCF-style: chr9-96055007-C-G.
Other names: c.5371C>G, p.Gln1791Glu (NM_001282394.3); short protein forms Q1754E, Q1791E.
Identifiers: ClinVar variation 3470558 (VCV003470558.1).

ClinVar aggregate classification (germline): Uncertain significance (1 of 4 stars; one submission).

Submission:

Ambry Genetics
Classification: Uncertain significance. Last evaluated: 2024-12-02. Review status: criteria provided, single submitter. Criteria: Ambry Variant Classification Scheme 2023. Collection method: clinical testing. Allele origin: germline.
Comment: The p.Q1754E variant (also known as c.5260C>G), located in coding exon 22 of the WNK2 gene, results from a C to G substitution at nucleotide position 5260. The glutamine at codon 1754 is replaced by glutamic acid, an amino acid with highly similar properties. This amino acid position is conserved. In addition, this alteration is predicted to be tolerated by in silico analysis. Based on the available evidence, the clinical significance of this variant remains unclear.